The following is an entry in ClinVar:

ClinVar aggregate classification (germline): Likely benign (1 of 4 stars; one submission).

gnomAD v4.1: 9 of 1,613,792 alleles (0.00056%); highest among the groups gnomAD compares: African/African-American, 0.011%; no homozygotes.

Submission:

Women's Health and Genetics/Laboratory Corporation of America, LabCorp
Classification: Likely benign. Last evaluated: 2024-08-06. Review status: criteria provided, single submitter. Criteria: LabCorp Variant Classification Summary - May 2015. Collection method: clinical testing. Allele origin: germline.
Comment: Variant summary: ABCA1 c.4774-20C>T alters a non-conserved nucleotide located at a position not widely known to affect splicing. Consensus agreement among computation tools predict no significant impact on normal splicing. However, these predictions have yet to be confirmed by functional studies. The variant allele was found at a frequency of 1.2e-05 in 250934 control chromosomes. The available data on variant occurrences in the general population are insufficient to allow any conclusion about variant significance. To our knowledge, no occurrence of c.4774-20C>T in individuals affected with Tangier Disease and no experimental evidence demonstrating its impact on protein function have been reported. No submitters have cited clinical-significance assessments for this variant to ClinVar. Based on the evidence outlined above, the variant was classified as likely benign.

NM_005502.4(ABCA1):c.4774-20C>T

Gene: ABCA1 (ATP binding cassette subfamily A member 1; minus strand). Cytogenetic location: 9q31.1.
Variant type: single nucleotide variant.
Coding change: c.4774-20C>T on transcript NM_005502.4 (MANE Select); 20 bases into the intron before coding-DNA position 4774, C replaced by T.
Molecular consequence: intron variant.
Genome position (GRCh38, 1-based): chr9:104,800,008, G>A on the plus strand (C>T on the coding strand, the complement: ABCA1 is on the minus strand). VCF-style: chr9-104800008-G-A. GRCh37 (hg19) VCF-style: chr9-107562289-G-A.
Identifiers: ClinVar variation 3366478 (VCV003366478.1).